The following is an entry in ClinVar:

NM_003107.3(SOX4):c.983A>G (p.Glu328Gly)

Gene: SOX4 (SRY-box transcription factor 4; plus strand). Cytogenetic location: 6p22.3.
Variant type: single nucleotide variant.
Coding change: c.983A>G on transcript NM_003107.3 (MANE Select); coding-DNA position 983, A replaced by G.
Protein change: p.Glu328Gly; replaces glutamic acid 328 with glycine.
Molecular consequence: missense variant.
Genome position (GRCh38, 1-based): chr6:21,595,517, A>G. VCF-style: chr6-21595517-A-G. GRCh37 (hg19) VCF-style: chr6-21595748-A-G.
Other names: short protein forms E328G.
Identifiers: ClinVar variation 5039537 (VCV005039537.1).

ClinVar aggregate classification (germline): Likely benign (1 of 4 stars; one submission).

Submission:

CeGaT Center for Human Genetics Tuebingen
Classification: Likely benign. Last evaluated: 2026-07-01. Review status: criteria provided, single submitter. Criteria: CeGaT Center For Human Genetics Tuebingen Variant Classification Criteria Version 2. Collection method: clinical testing. Allele origin: germline. Affected: yes. Observed: 1 variant allele.
Comment: SOX4: BS2